The following is an entry in ClinVar:

ClinVar aggregate classification (germline): Pathogenic. Review status: criteria provided, multiple submitters, no conflicts (2 of 4 stars). 3 submissions from 3 submitters: Pathogenic (3). Last evaluated 2025-12-22.

Conditions:
Hypertrophic cardiomyopathy. Also called: HYPERTROPHIC MYOCARDIOPATHY. Identifiers: Orphanet 217569, MedGen C0007194, MeSH D002312, MONDO:0005045, HP:0001639.

Submissions (3):

Labcorp Genetics (formerly Invitae), Labcorp
Classification: Pathogenic for Hypertrophic cardiomyopathy. Last evaluated: 2025-12-22. Review status: criteria provided, single submitter. Criteria: Invitae Variant Classification Sherloc (09022015). Collection method: clinical testing. Allele origin: germline.
Comment: This sequence change creates a premature translational stop signal (p.Lys985*) in the MYBPC3 gene. It is expected to result in an absent or disrupted protein product. Loss-of-function variants in MYBPC3 are known to be pathogenic (PMID: 19574547). This variant is not present in population databases (gnomAD no frequency). This premature translational stop signal has been observed in individual(s) with hypertrophic cardiomyopathy (PMID: 25611685, 27532257). ClinVar contains an entry for this variant (Variation ID: 177956). Algorithms developed to predict the effect of sequence changes on RNA splicing suggest that this variant may disrupt the consensus splice site. For these reasons, this variant has been classified as Pathogenic.

GeneDx
Classification: Pathogenic. Last evaluated: 2020-10-07. Review status: criteria provided, single submitter. Criteria: GeneDx Variant Classification Process June 2021. Collection method: clinical testing. Allele origin: germline. Affected: yes.
Comment: Identified in multiple patients with HCM referred for genetic testing at GeneDx and in published literature (Alfares et al., 2015; Lopes et al., 2015; Walsh et al., 2017); Not observed in large population cohorts (Lek et al., 2016); Nonsense variant predicted to result in protein truncation or nonsense mediated decay in a gene for which loss-of-function is a known mechanism of disease; Reported in ClinVar as pathogenic (ClinVar Variant ID# 177956; Landrum et al., 2016); This variant is associated with the following publications: (PMID: 25611685, 27532257, 25351510)

Laboratory for Molecular Medicine, Mass General Brigham Personalized Medicine
Classification: Pathogenic for Hypertrophic cardiomyopathy. Last evaluated: 2013-03-05. Review status: criteria provided, single submitter. Criteria: LMM Criteria. Collection method: clinical testing. Allele origin: germline. Inheritance: Autosomal dominant inheritance. Observed: 1 variant allele.
Comment: proposed classification - variant undergoing re-assessment, contact laboratory

Literature cited by the submitters: PubMed 19574547 (cited by Labcorp Genetics (formerly Invitae), Labcorp); PubMed 25611685 (cited by Labcorp Genetics (formerly Invitae), Labcorp); PubMed 27532257 (cited by Labcorp Genetics (formerly Invitae), Labcorp).

NM_000256.3(MYBPC3):c.2953A>T (p.Lys985Ter)

Gene: MYBPC3 (myosin binding protein C3; minus strand). Cytogenetic location: 11p11.2.
Variant type: single nucleotide variant.
Coding change: c.2953A>T on transcript NM_000256.3 (MANE Select); coding-DNA position 2953, A replaced by T.
Protein change: p.Lys985Ter; replaces lysine 985 with a stop codon.
Molecular consequence: nonsense.
Genome position (GRCh38, 1-based): chr11:47,333,963, T>A on the plus strand (A>T on the coding strand, the complement: MYBPC3 is on the minus strand). VCF-style: chr11-47333963-T-A. GRCh37 (hg19) VCF-style: chr11-47355514-T-A.
Other names: short protein forms K985*.
Identifiers: ClinVar variation 177956 (VCV000177956.9), dbSNP rs727504423, ClinGen allele CA013224.